The following is an entry in ClinVar:

NM_001372106.1(DNAH10):c.7029T>G (p.Cys2343Trp)

Gene: DNAH10 (dynein axonemal heavy chain 10; plus strand). Cytogenetic location: 12q24.31.
Variant type: single nucleotide variant.
Coding change: c.7029T>G on transcript NM_001372106.1 (MANE Select); coding-DNA position 7029, T replaced by G.
Protein change: p.Cys2343Trp; replaces cysteine 2343 with tryptophan.
Molecular consequence: missense variant.
Genome position (GRCh38, 1-based): chr12:123,864,715, T>G. VCF-style: chr12-123864715-T-G. GRCh37 (hg19) VCF-style: chr12-124349262-T-G.
Other names: c.6675T>G, p.Cys2225Trp (NM_207437.3); short protein forms C2343W, C2225W.
Identifiers: ClinVar variation 5005058 (VCV005005058.2).

ClinVar aggregate classification (germline): Uncertain significance (1 of 4 stars; one submission).

Conditions:
Spermatogenic failure 56. Identifiers: MedGen C5561978, MONDO:0030430, OMIM 619515.

Submission:

Juno Genomics, Hangzhou Juno Genomics, Inc
Classification: Uncertain significance for Spermatogenic failure 56. Review status: criteria provided, single submitter. Criteria: ACMG Guidelines, 2015. Collection method: clinical testing. Allele origin: germline.
Comment: Absent from controls (or at extremely low frequency if recessive) in Genome Aggregation Database.;Missense variant in a gene that has a low rate of benign missense variation.